The following is an entry in ClinVar:

NM_001330672.2(LIMCH1):c.2677G>A (p.Ala893Thr)

Gene: LIMCH1 (LIM and calponin homology domains 1; plus strand). Cytogenetic location: 4p13.
Variant type: single nucleotide variant.
Coding change: c.2677G>A on transcript NM_001330672.2 (MANE Select); coding-DNA position 2677, G replaced by A.
Protein change: p.Ala893Thr; replaces alanine 893 with threonine.
Molecular consequence: missense variant.
Genome position (GRCh38, 1-based): chr4:41,646,750, G>A. VCF-style: chr4-41646750-G-A. GRCh37 (hg19) VCF-style: chr4-41648767-G-A.
Other names: c.1522G>A, p.Ala508Thr (NM_001112717.4, NM_001112718.4, NM_001330784.2 and 5 more transcripts); c.1060G>A, p.Ala354Thr (NM_001112719.4, NM_001330793.2, NM_001330982.2 and 1 more transcripts); c.1024G>A, p.Ala342Thr (NM_001112720.4, NM_001330674.2); c.1486G>A, p.Ala496Thr (NM_001289122.3, NM_001330791.2, NM_001330792.2); c.1009G>A, p.Ala337Thr (NM_001289124.2); c.1045G>A, p.Ala349Thr (NM_001330786.2); short protein forms A337T, A342T, A349T, A354T, A496T, A508T, A893T.
Identifiers: ClinVar variation 2654741 (VCV002654741.24), dbSNP rs148133956, ClinGen allele CA2900756.

ClinVar aggregate classification (germline): Likely benign (1 of 4 stars; one submission).

Allele frequency attached by ClinVar (database versions not stated): ExAC 0.00521; gnomAD 0.00527; gnomAD exomes 0.00637; 1000 Genomes Project 0.00359; 1000 Genomes Project 30x 0.00375; ESP Exome Variant Server 0.00469.

Submission:

CeGaT Center for Human Genetics Tuebingen
Classification: Likely benign. Last evaluated: 2023-01-01. Review status: criteria provided, single submitter. Criteria: CeGaT Center For Human Genetics Tuebingen Variant Classification Criteria Version 2. Collection method: clinical testing. Allele origin: germline. Affected: yes. Observed: 2 variant alleles.
Comment: LIMCH1: BP4, BS2